The following is an entry in ClinVar:

NM_198271.5(LMOD3):c.1099_1100del (p.Asn367fs)

Gene: LMOD3 (leiomodin 3; minus strand). Cytogenetic location: 3p14.1.
Variant type: Deletion.
Coding change: c.1099_1100del on transcript NM_198271.5 (MANE Select); coding-DNA positions 1099 to 1100, 2 bases deleted (AA; older notation c.1099_1100delAA).
Protein change: p.Asn367fs; shifts the reading frame from asparagine 367.
Molecular consequence: frameshift variant.
Genome position (GRCh38, 1-based): chr3:69,119,255-69,119,256, TT deleted on the plus strand (AA on the coding strand, the reverse complement: LMOD3 is on the minus strand); deleting any 2 consecutive bases within chr3:69,119,255-69,119,257 gives the same sequence; the c. name uses the placement nearest the transcript's 3' end. VCF-style (leftmost placement, unchanged base first): chr3-69119254-GTT-G. GRCh37 (hg19) VCF-style: chr3-69168405-GTT-G.
Other names: c.1099_1100del (NM_198271.3); c.1099_1100del, p.Asn367fs (NM_001304418.3); c.1099_1100delAA (NM_198271.4); short protein forms N367fs.
Identifiers: ClinVar variation 162218 (VCV000162218.17), dbSNP rs727502799, ClinGen allele CA214790.

ClinVar aggregate classification (germline): Pathogenic/Likely pathogenic. Review status: criteria provided, multiple submitters, no conflicts (2 of 4 stars). 6 submissions from 6 submitters: Pathogenic (4); Likely pathogenic (1). 1 of the submissions does not count toward it. Last evaluated 2025-05-14.

Conditions:
Nemaline myopathy 10 (NEM10). Identifiers: MedGen C4015360, MONDO:0014513, OMIM 616165.

Submissions (6):

GeneDx
Classification: Pathogenic. Last evaluated: 2025-05-14. Review status: criteria provided, single submitter. Criteria: GeneDx Variant Classification Process June 2021. Collection method: clinical testing. Allele origin: germline. Affected: yes.
Comment: Frameshift variant predicted to result in protein truncation or nonsense mediated decay in a gene for which loss of function is a known mechanism of disease; This variant is associated with the following publications: (PMID: 31572445, 25250574)

Labcorp Genetics (formerly Invitae), Labcorp
Classification: Pathogenic for Nemaline myopathy 10. Last evaluated: 2024-11-05. Review status: criteria provided, single submitter. Criteria: Invitae Variant Classification Sherloc (09022015). Collection method: clinical testing. Allele origin: germline.
Comment: This sequence change creates a premature translational stop signal (p.Asn367Glnfs*11) in the LMOD3 gene. It is expected to result in an absent or disrupted protein product. Loss-of-function variants in LMOD3 are known to be pathogenic (PMID: 25250574). This variant is present in population databases (rs727502799, gnomAD 0.05%). This premature translational stop signal has been observed in individual(s) with LMOD3-related conditions (PMID: 25250574). ClinVar contains an entry for this variant (Variation ID: 162218). For these reasons, this variant has been classified as Pathogenic.

Neuberg Centre For Genomic Medicine, NCGM
Classification: Likely pathogenic for Nemaline myopathy 10. Last evaluated: 2023-02-14. Review status: criteria provided, single submitter. Criteria: ACMG Guidelines, 2015. Collection method: clinical testing. Allele origin: germline. Inheritance: Autosomal recessive inheritance. Affected: yes.
Comment: The frameshift variant c.1099_1100del (p.Asn367GlnfsTer11) in the LMOD3 gene has been reported previously in compound heterozygous state in an individual affected with nemaline myopathy (Yuen et al., 2014). This variant is reported with the allele frequency (0.002%) in the gnomAD Exomes and novel in 1000 Genomes. It is submitted to ClinVar as Pathogenic (Multiple submissions). This variant is predicted to cause a loss of normal protein function through protein truncation. Loss of function variants has been previously reported to be disease causing. For these reasons, this variant has been classified as Likely Pathogenic.

Kasturba Medical College, Manipal, Kasturba Medical College, Manipal, Manipal Academy of Higher Education, Manipal, India
Classification: Pathogenic for Nemaline myopathy 10. Last evaluated: 2023-01-23. Review status: criteria provided, single submitter. Criteria: ACMG Guidelines, 2015. Collection method: clinical testing. Allele origin: germline. Affected: yes.

Revvity Omics, Revvity
Classification: Pathogenic for Nemaline myopathy 10. Last evaluated: 2019-09-06. Review status: criteria provided, single submitter. Criteria: ACMG Guidelines, 2015. Collection method: clinical testing. Allele origin: germline.

OMIM
Classification: Pathogenic for NEMALINE MYOPATHY 10. Last evaluated: 2014-11-03. Review status: no assertion criteria provided. Collection method: literature only. Allele origin: germline. Not counted in ClinVar's aggregate classification.

Literature cited by the submitters: PubMed 25250574 (cited by Labcorp Genetics (formerly Invitae), Labcorp); Yuen, M., Sandaradura, S. A., Dowling, J. J., Kostyukova, A. S., Moroz, N., Quinlan, K. G., Lehtokari, V.-L., Ravenscroft, G., Todd, E. J., Ceyhan-Birsoy, O., Gokhin, D. S., Maluenda, J., and 45 others Leiomodin-3 dysfunction results in thin filament disorganization and nemaline myopathy. J. Clin. Invest. 124: 4693-4708, 2014. Note: Erratum: J. Clin. Invest. 125: 456 only, 2015. (cited by OMIM).